The following is an entry in ClinVar:

NM_024675.4(PALB2):c.1684+1G>A

Gene: PALB2 (partner and localizer of BRCA2; minus strand). Cytogenetic location: 16p12.2.
Variant type: single nucleotide variant.
Coding change: c.1684+1G>A on transcript NM_024675.4 (MANE Select); the canonical splice donor site of the intron after coding-DNA position 1684, G replaced by A.
Molecular consequence: splice donor variant. On other transcripts: intron variant (3).
Genome position (GRCh38, 1-based): chr16:23,634,861, C>T on the plus strand (G>A on the coding strand, the complement: PALB2 is on the minus strand). VCF-style: chr16-23634861-C-T. GRCh37 (hg19) VCF-style: chr16-23646182-C-T.
Other names: NM_024675.3(PALB2):c.1684+1G>A; c.799+1G>A (NM_001407308.1, NM_001407306.1, NM_001407307.1 and 5 more transcripts); c.49-5586G>A (NM_001407314.1); c.-104-4392G>A (NM_001407313.1, NM_001407312.1); c.1624+1G>A (NM_001407296.1); c.1684+1G>A (NM_001407297.1, NM_001407302.1, NM_001407298.1 and 3 more transcripts).
Identifiers: ClinVar variation 482029 (VCV000482029.19), dbSNP rs1555461148, ClinGen allele CA395129867.
Genomic context (GRCh38, chr16:23,634,861, plus strand): 5'-CAAATAGTAATTGTTAACTTTCATCATCATCATCATCATCATCAAACACATCTTGATTTA[C>T]CTTTCACTTGAATAAATAATTTTTCGTGCTGATATTTGTGTGAGGTGACTTCTTCCTTGG-3'

ClinVar aggregate classification (germline): Uncertain significance. Review status: reviewed by expert panel (3 of 4 stars). 4 submissions from 4 submitters: Uncertain significance (1). 3 of the submissions do not count toward it. Last evaluated 2026-04-24.

Conditions:
PALB2-related cancer predisposition. Identifiers: MedGen CN377761, MONDO:0700272.
Hereditary cancer-predisposing syndrome. Also called: Tumor predisposition; Hereditary Cancer Syndrome; Neoplastic Syndromes, Hereditary; Hereditary neoplastic syndrome. Identifiers: Orphanet 140162, MedGen C0027672, MeSH D009386, MONDO:0015356.
Familial cancer of breast. Also called: Hereditary breast cancer; BREAST CANCER, FAMILIAL; hereditary breast carcinoma. Identifiers: Orphanet 227535, MedGen C0346153, MONDO:0016419, OMIM 114480. Disease mechanism: loss of function.

Submissions (4):

ClinGen Hereditary Breast, Ovarian and Pancreatic Cancer Variant Curation Expert Panel, ClinGen
Classification: Uncertain significance for PALB2-related cancer predisposition. Last evaluated: 2026-04-24. Review status: reviewed by expert panel. Criteria: ClinGen HBOP ACMG Specifications PALB2 V1.2.0. Collection method: curation. Allele origin: germline. Inheritance: Autosomal dominant inheritance.
Comment: The c.1684+1G>A variant in PALB2 occurs within the canonical splice donor (+1,2) of intron 4. Minigene analysis demonstrated that the variant impacts splicing by causing multicassette skipping of exons 4 and 5 which is predicted to result in a frameshift leading to nonsense mediated decay in a gene in which loss-of-function is an established disease mechanism (PMID 30890586). However, patient-level data for this same variant, as well as minigene data from similar variants, demonstrate both exon 4 and 5 skipping as well as exon 4 skipping, the latter which is in-frame and does not code any known functions (PMIDs 34846068, 41554690, personal communication). This variant is absent from gnomAD v2.1.1. In summary, this variant meets the criteria to be classified as a variant of uncertain significance for autosomal dominant PALB2-related cancer predisposition and autosomal recessive FANCN based on the ACMG/AMP criteria applied, as specified by the HBOP VCEP. (PVS1_Strong(RNA), PM2_Supporting)

Labcorp Genetics (formerly Invitae), Labcorp
Classification: Likely pathogenic for Familial cancer of breast. Last evaluated: 2026-01-30. Review status: criteria provided, single submitter. Criteria: Invitae Variant Classification Sherloc (09022015). Collection method: clinical testing. Allele origin: germline. Not counted in ClinVar's aggregate classification.
Comment: This sequence change affects a donor splice site in intron 4 of the PALB2 gene. It is expected to disrupt RNA splicing. Variants that disrupt the donor or acceptor splice site typically lead to a loss of protein function (PMID: 16199547), and loss-of-function variants in PALB2 are known to be pathogenic (PMID: 17200668, 17200671, 17200672, 24136930, 25099575). This variant is not present in population databases (gnomAD no frequency). Disruption of this splice site has been observed in individual(s) with breast cancer (PMID: 28664506, 32339256, 37688579, 38355628). This variant is also known as c.1559+1G>A and IVS4+1G>A. ClinVar contains an entry for this variant (Variation ID: 482029). Algorithms developed to predict the effect of sequence changes on RNA splicing suggest that this variant may disrupt the consensus splice site. In summary, the currently available evidence indicates that the variant is pathogenic, but additional data are needed to prove that conclusively. Therefore, this variant has been classified as Likely Pathogenic.

ARUP Laboratories, Molecular Genetics and Genomics, ARUP Laboratories
Classification: Pathogenic. Last evaluated: 2023-11-14. Review status: criteria provided, single submitter. Criteria: ARUP Molecular Germline Variant Investigation Process 2024. Collection method: clinical testing. Allele origin: germline. Not counted in ClinVar's aggregate classification.
Comment: The PALB2 c.1684+1G>A variant (rs1555461148), also known as 1559+1G>A, is reported in the literature in individuals with breast cancer (Yang 2017, Zhou 2020). This variant is also reported in ClinVar (Variation ID: 482029). It is absent from the Genome Aggregation Database (v2.1.1), indicating it is not a common polymorphism. This variant disrupts the canonical splice donor site of intron 4, and minigene assays have shown it to cause skipping of exons 4 and 5 which is predicted to result in a frameshift leading to nonsense mediated decay (Lopez-Perolio 2019). Based on available information, this variant is considered to be pathogenic. References: Lopez-Perolio I et al. Alternative splicing and ACMG-AMP-2015-based classification of PALB2 genetic variants: an ENIGMA report. J Med Genet. 2019 Jul;56(7):453-460. PMID: 30890586. Yang XR et al. Prevalence and spectrum of germline rare variants in BRCA1/2 and PALB2 among breast cancer cases in Sarawak, Malaysia. Breast Cancer Res Treat. 2017 Oct;165(3):687-697. PMID: 28664506. Zhou J et al. Spectrum of PALB2 germline mutations and characteristics of PALB2-related breast cancer: Screening of 16,501 unselected patients with breast cancer and 5890 controls by next-generation sequencing. Cancer. 2020 Jul 15;126(14):3202-3208. PMID: 32339256.

Ambry Genetics
Classification: Likely pathogenic for Hereditary cancer-predisposing syndrome. Last evaluated: 2016-05-18. Review status: criteria provided, single submitter. Criteria: Ambry Variant Classification Scheme 2023. Collection method: clinical testing. Allele origin: germline. Not counted in ClinVar's aggregate classification.
Comment: The c.1684+1G>A intronic variant results from a G to A substitution one nucleotide after coding exon 4 of the PALB2 gene. This alteration has been identified in individuals with breast cancer (Zhou J et al. Cancer, 2020 07;126:3202-3208; Yang XR et al. Breast Cancer Res Treat, 2017 Oct;165:687-697). This nucleotide position is highly conserved in available vertebrate species. In silico splice site analysis predicts that this alteration will weaken the native splice donor site. Published mini-gene based RNA studies have shown that this alteration causes skipping of exons 4 and 5 which is predicted to trigger nonsense-mediated mRNA decay (Lopez-Perolio I et al. J Med Genet, 2019 07;56:453-460). Alterations that disrupt the canonical splice site are expected to cause aberrant splicing, resulting in an abnormal protein or a transcript that is subject to nonsense-mediated mRNA decay. As such, this alteration is classified as likely pathogenic.

Literature cited by the submitters: PubMed 16199547 (cited by Labcorp Genetics (formerly Invitae), Labcorp); PubMed 17200668 (cited by Labcorp Genetics (formerly Invitae), Labcorp); PubMed 17200671 (cited by Labcorp Genetics (formerly Invitae), Labcorp); PubMed 17200672 (cited by Labcorp Genetics (formerly Invitae), Labcorp); PubMed 24136930 (cited by Labcorp Genetics (formerly Invitae), Labcorp); PubMed 25099575 (cited by Labcorp Genetics (formerly Invitae), Labcorp); PubMed 28664506 (cited by Labcorp Genetics (formerly Invitae), Labcorp and Ambry Genetics); PubMed 32339256 (cited by Labcorp Genetics (formerly Invitae), Labcorp and Ambry Genetics); PubMed 37688579 (cited by Labcorp Genetics (formerly Invitae), Labcorp); PubMed 38355628 (cited by Labcorp Genetics (formerly Invitae), Labcorp); PubMed 23334666 (cited by Ambry Genetics); PubMed 30890586 (cited by Ambry Genetics).